The following is an entry in ClinVar:

NM_000553.6(WRN):c.3688-3T>C

Gene: WRN (WRN RecQ like helicase; plus strand). Cytogenetic location: 8p12.
Variant type: single nucleotide variant.
Coding change: c.3688-3T>C on transcript NM_000553.6 (MANE Select); 3 bases into the intron before coding-DNA position 3688, T replaced by C.
Molecular consequence: intron variant.
Genome position (GRCh38, 1-based): chr8:31,154,621, T>C. VCF-style: chr8-31154621-T-C. GRCh37 (hg19) VCF-style: chr8-31012137-T-C.
Identifiers: ClinVar variation 458465 (VCV000458465.6), dbSNP rs1554535709, ClinGen allele CA658657760.

ClinVar aggregate classification (germline): Uncertain significance (1 of 4 stars; one submission).

Conditions:
Werner syndrome (WRN). Identifiers: Orphanet 902, MedGen C0043119, MONDO:0010196, OMIM 277700.

Allele frequency attached by ClinVar (database versions not stated): gnomAD exomes below 0.00001; TOPMed below 0.00001.
gnomAD v4.1: 4 of 1,611,096 alleles (0.00025%); highest among the groups gnomAD compares: Non-Finnish European, 0.00034%; no homozygotes.

Submission:

Labcorp Genetics (formerly Invitae), Labcorp
Classification: Uncertain significance for Werner syndrome. Last evaluated: 2022-03-05. Review status: criteria provided, single submitter. Criteria: Invitae Variant Classification Sherloc (09022015). Collection method: clinical testing. Allele origin: germline.
Comment: This sequence change falls in intron 31 of the WRN gene. It does not directly change the encoded amino acid sequence of the WRN protein. It affects a nucleotide within the consensus splice site. This variant is not present in population databases (gnomAD no frequency). This variant has not been reported in the literature in individuals affected with WRN-related conditions. ClinVar contains an entry for this variant (Variation ID: 458465). Variants that disrupt the consensus splice site are a relatively common cause of aberrant splicing (PMID: 17576681, 9536098). Algorithms developed to predict the effect of sequence changes on RNA splicing suggest that this variant is not likely to affect RNA splicing. In summary, the available evidence is currently insufficient to determine the role of this variant in disease. Therefore, it has been classified as a Variant of Uncertain Significance.

Literature cited by the submitters: PubMed 17576681; PubMed 9536098.